The following is an entry in ClinVar:

NM_201253.3(CRB1):c.2963T>C (p.Ile988Thr)

Gene: CRB1 (crumbs cell polarity complex component 1; plus strand). Cytogenetic location: 1q31.3.
Variant type: single nucleotide variant.
Coding change: c.2963T>C on transcript NM_201253.3 (MANE Select); coding-DNA position 2963, T replaced by C.
Protein change: p.Ile988Thr; replaces isoleucine 988 with threonine.
Molecular consequence: missense variant. On other transcripts: non-coding transcript variant (2), intron variant (1).
Genome position (GRCh38, 1-based): chr1:197,434,826, T>C. VCF-style: chr1-197434826-T-C. GRCh37 (hg19) VCF-style: chr1-197403956-T-C.
Other names: c.2627T>C, p.Ile876Thr (NM_001193640.2); c.2891T>C, p.Ile964Thr (NM_001257965.2); c.2129-774T>C (NM_001257966.2); short protein forms I876T, I964T, I988T.
Identifiers: ClinVar variation 1016638 (VCV001016638.8), dbSNP rs1571555801, ClinGen allele CA344044022.

ClinVar aggregate classification (germline): Uncertain significance. Review status: criteria provided, single submitter (1 of 4 stars). 2 submissions from 2 submitters: Uncertain significance (1). 1 of the submissions does not count toward it. Last evaluated 2024-02-24.

Conditions:
Retinitis pigmentosa 12 (RP12). Also called: RP WITH OR WITHOUT PRESERVED PARAARTERIOLE RETINAL PIGMENT EPITHELIUM; RETINITIS PIGMENTOSA WITH OR WITHOUT PARAARTERIOLAR PRESERVATION OF RETINAL PIGMENT EPITHELIUM; RP WITH OR WITHOUT PPRPE. Identifiers: Orphanet 791, MedGen C1838647, MONDO:0010818, OMIM 600105.
Leber congenital amaurosis 8 (LCA8). Identifiers: Orphanet 65, MedGen C3151202, MONDO:0013453, OMIM 613835.
Leber congenital amaurosis (LCA). Also called: Leber's amaurosis. Identifiers: Orphanet 65, MedGen C0339527, MeSH D057130, MONDO:0018998.

Allele frequency attached by ClinVar (database versions not stated): gnomAD exomes below 0.00001; gnomAD 0.00001.
gnomAD v4.1: 8 of 1,613,844 alleles (0.0005%); highest among the groups gnomAD compares: South Asian, 0.0033%; no homozygotes.

Submissions (2):

Labcorp Genetics (formerly Invitae), Labcorp
Classification: Uncertain significance for Leber congenital amaurosis 8; Retinitis pigmentosa 12. Last evaluated: 2024-02-24. Review status: criteria provided, single submitter. Criteria: Invitae Variant Classification Sherloc (09022015). Collection method: clinical testing. Allele origin: germline.
Comment: This sequence change replaces isoleucine, which is neutral and non-polar, with threonine, which is neutral and polar, at codon 988 of the CRB1 protein (p.Ile988Thr). This variant is not present in population databases (gnomAD no frequency). This variant has not been reported in the literature in individuals affected with CRB1-related conditions. ClinVar contains an entry for this variant (Variation ID: 1016638). Algorithms developed to predict the effect of missense changes on protein structure and function output the following: SIFT: "Not Available"; PolyPhen-2: "Benign"; Align-GVGD: "Not Available". The threonine amino acid residue is found in multiple mammalian species, which suggests that this missense change does not adversely affect protein function. In summary, the available evidence is currently insufficient to determine the role of this variant in disease. Therefore, it has been classified as a Variant of Uncertain Significance.

Natera, Inc.
Classification: Uncertain significance for Leber congenital amaurosis. Last evaluated: 2021-05-26. Review status: no assertion criteria provided. Collection method: clinical testing. Allele origin: germline. Not counted in ClinVar's aggregate classification.